The following is an entry in ClinVar:

NM_000834.5(GRIN2B):c.1350G>A (p.Pro450=)

Gene: GRIN2B (glutamate ionotropic receptor NMDA type subunit 2B; minus strand). Cytogenetic location: 12p13.1.
Variant type: single nucleotide variant.
Coding change: c.1350G>A on transcript NM_000834.5 (MANE Select); coding-DNA position 1350, G replaced by A.
Protein change: p.Pro450=; no amino-acid change (proline 450 retained).
Molecular consequence: synonymous variant.
Genome position (GRCh38, 1-based): chr12:13,615,643, C>T on the plus strand (G>A on the coding strand, the complement: GRIN2B is on the minus strand). VCF-style: chr12-13615643-C-T. GRCh37 (hg19) VCF-style: chr12-13768577-C-T.
Identifiers: ClinVar variation 702757 (VCV000702757.25), dbSNP rs200607718, ClinGen allele CA6461254.

ClinVar aggregate classification (germline): Likely benign. Review status: criteria provided, multiple submitters, no conflicts (2 of 4 stars). 3 submissions from 3 submitters: Likely benign (3). Last evaluated 2025-12-01.

Conditions:
Intellectual developmental disorder, autosomal dominant 6, with or without seizures. Also called: Intellectual disability, autosomal dominant 6; GRIN2B-related developmental delay, intellectual disability and autism spectrum disorder. Identifiers: Orphanet 589547, MedGen C3151411, MONDO:0013509, OMIM 613970.
Developmental and epileptic encephalopathy, 27 (DEE27). Also called: GRIN2B-Related Neurodevelopmental Disorder; Epileptic encephalopathy, early infantile, 27. Identifiers: Orphanet 3451, MedGen C4015316, MONDO:0014505, OMIM 616139.

Allele frequency attached by ClinVar (database versions not stated): gnomAD 0.00003; gnomAD exomes 0.00004 and 0.00008; ExAC 0.00008; TOPMed 0.00004.
gnomAD v4.1: 62 of 1,613,310 alleles (0.0038%); highest among the groups gnomAD compares: Middle Eastern, 0.16%; 1 homozygote.

Submissions (3):

Labcorp Genetics (formerly Invitae), Labcorp
Classification: Likely benign for Developmental and epileptic encephalopathy, 27; Intellectual developmental disorder, autosomal dominant 6, with or without seizures. Last evaluated: 2025-12-01. Review status: criteria provided, single submitter. Criteria: Invitae Variant Classification Sherloc (09022015). Collection method: clinical testing. Allele origin: germline.

CeGaT Center for Human Genetics Tuebingen
Classification: Likely benign. Last evaluated: 2025-02-01. Review status: criteria provided, single submitter. Criteria: CeGaT Center For Human Genetics Tuebingen Variant Classification Criteria Version 2. Collection method: clinical testing. Allele origin: germline. Affected: yes. Observed: 2 variant alleles.
Comment: GRIN2B: BP4, BP7

Breakthrough Genomics
Classification: Likely benign. Review status: criteria provided, single submitter. Criteria: ACMG Guidelines, 2015. Collection method: not provided. Allele origin: germline. Inheritance: Autosomal dominant inheritance. Affected: yes.